The following is an entry in ClinVar:

NM_020987.5(ANK3):c.7501C>T (p.Arg2501Trp)

Gene: ANK3 (ankyrin 3; minus strand). Cytogenetic location: 10q21.2.
Variant type: single nucleotide variant.
Coding change: c.7501C>T on transcript NM_020987.5 (MANE Select); coding-DNA position 7501, C replaced by T.
Protein change: p.Arg2501Trp; replaces arginine 2501 with tryptophan.
Molecular consequence: missense variant. On other transcripts: intron variant (4).
Genome position (GRCh38, 1-based): chr10:60,073,380, G>A on the plus strand (C>T on the coding strand, the complement: ANK3 is on the minus strand). VCF-style: chr10-60073380-G-A. GRCh37 (hg19) VCF-style: chr10-61833138-G-A.
Other names: c.7501C>T (NM_020987.3); c.4388-5371C>T (NM_001204403.2); c.4409-5371C>T (NM_001204404.2); c.4406-5371C>T (NM_001320874.2); c.1808-5371C>T (NM_001149.4); short protein forms R2501W.
Identifiers: ClinVar variation 1524718 (VCV001524718.8), dbSNP rs759280618, ClinGen allele CA5511697.
Genomic context (GRCh38, chr10:60,073,380, plus strand): 5'-CTTTATAGATTTTGGAGAGAATTTCTTTTTTGGGGGCAGTGGCTATTTTTTCTCTGGACC[G>A]CTTATCAGACCCCTGTAACTCTGAGCTAGGGGGTCCTGCATGGTCTGTAACCGATTCCTC-3'
Protein context (NP_066267.2, residues 2491-2511): PSSELQGSDK[Arg2501Trp]SREKIATAPK

ClinVar aggregate classification (germline): Uncertain significance. Review status: criteria provided, multiple submitters, no conflicts (2 of 4 stars). 3 submissions from 3 submitters: Uncertain significance (3). Last evaluated 2022-06-24.

Conditions:
Inborn genetic diseases. Identifiers: MedGen C0950123, MeSH D030342.

Allele frequency attached by ClinVar (database versions not stated): gnomAD exomes 0.00001 and below 0.00001; gnomAD 0.00006 and 0.00005; ExAC 0.00001; TOPMed 0.00005.
gnomAD v4.1: 29 of 1,613,452 alleles (0.0018%); highest among the groups gnomAD compares: Middle Eastern, 0.016%; no homozygotes.

Submissions (3):

Ambry Genetics
Classification: Uncertain significance for Inborn genetic diseases. Last evaluated: 2022-06-24. Review status: criteria provided, single submitter. Criteria: Ambry Variant Classification Scheme 2023. Collection method: clinical testing. Allele origin: germline.

Revvity Omics, Revvity
Classification: Uncertain significance. Last evaluated: 2022-02-07. Review status: criteria provided, single submitter. Criteria: ACMG Guidelines, 2015. Collection method: clinical testing. Allele origin: germline.

Labcorp Genetics (formerly Invitae), Labcorp
Classification: Uncertain significance. Last evaluated: 2021-10-02. Review status: criteria provided, single submitter. Criteria: Invitae Variant Classification Sherloc (09022015). Collection method: clinical testing. Allele origin: germline.
Comment: This variant is present in population databases (rs759280618, ExAC 0.01%). This variant has not been reported in the literature in individuals affected with ANK3-related conditions. This sequence change replaces arginine with tryptophan at codon 2501 of the ANK3 protein (p.Arg2501Trp). The arginine residue is weakly conserved and there is a moderate physicochemical difference between arginine and tryptophan. In summary, the available evidence is currently insufficient to determine the role of this variant in disease. Therefore, it has been classified as a Variant of Uncertain Significance. Algorithms developed to predict the effect of missense changes on protein structure and function output the following: SIFT: "Not Available"; PolyPhen-2: "Possibly Damaging"; Align-GVGD: "Not Available". The tryptophan amino acid residue is found in multiple mammalian species, which suggests that this missense change does not adversely affect protein function.